The following is an entry in ClinVar:

NM_024422.6(DSC2):c.2460A>G (p.Arg820=)

Gene: DSC2 (desmocollin 2; minus strand). Cytogenetic location: 18q12.1.
Variant type: single nucleotide variant.
Coding change: c.2460A>G on transcript NM_024422.6 (MANE Select); coding-DNA position 2460, A replaced by G.
Protein change: p.Arg820=; no amino-acid change (arginine 820 retained).
Molecular consequence: synonymous variant.
Genome position (GRCh38, 1-based): chr18:31,068,942, T>C on the plus strand (A>G on the coding strand, the complement: DSC2 is on the minus strand). VCF-style: chr18-31068942-T-C. GRCh37 (hg19) VCF-style: chr18-28648908-T-C.
Other names: c.2031A>G, p.Arg677= (NM_001406506.1, NM_001406507.1); c.2460A>G, p.Arg820= (NM_004949.5).
Identifiers: ClinVar variation 3273785 (VCV003273785.2).

ClinVar aggregate classification (germline): Uncertain significance. Review status: criteria provided, multiple submitters, no conflicts (2 of 4 stars). 2 submissions from 2 submitters: Uncertain significance (2). Last evaluated 2024-07-29.

Conditions:
Cardiomyopathy (CMYO). Also called: Cardiomyopathies. Identifiers: Orphanet 167848, MedGen C0878544, MONDO:0004994, HP:0001638. Inheritance: Various modes of inheritance.
Cardiovascular phenotype. Identifiers: MedGen CN230736.

gnomAD v4.1: 2 of 1,614,050 alleles (0.00012%); highest among the groups gnomAD compares: Admixed American, 0.0017%; no homozygotes.

Submissions (2):

Color Diagnostics, LLC DBA Color Health
Classification: Uncertain significance for Cardiomyopathy. Last evaluated: 2024-07-29. Review status: criteria provided, single submitter. Criteria: ACMG Guidelines, 2015. Collection method: clinical testing. Allele origin: germline.
Comment: This variant is located in the DSC2 protein. To our knowledge, functional studies have not been reported for this variant. This variant has not been reported in individuals affected with DSC2-related disorders in the literature. This variant has been identified in 1/251184 chromosomes in the general population by the Genome Aggregation Database (gnomAD). The available evidence is insufficient to determine the role of this variant in disease conclusively. Therefore, this variant is classified as a Variant of Uncertain Significance.

Ambry Genetics
Classification: Uncertain significance for Cardiovascular phenotype. Last evaluated: 2024-04-21. Review status: criteria provided, single submitter. Criteria: Ambry Variant Classification Scheme 2023. Collection method: clinical testing. Allele origin: germline.
Comment: The c.2460A>G variant (also known as p.R820R), located in coding exon 15 of the DSC2 gene, results from an A to G substitution at nucleotide position 2460. This nucleotide substitution does not change the arginine at codon 820. This nucleotide position is highly conserved in available vertebrate species. In silico splice site analysis predicts that this alteration may weaken the native splice donor site and will result in the creation or strengthening of a novel splice donor site. Based on the available evidence, the clinical significance of this variant remains unclear.